The following is an entry in ClinVar:

ClinVar aggregate classification (germline): Uncertain significance (1 of 4 stars; one submission).

Submission:

CeGaT Center for Human Genetics Tuebingen
Classification: Uncertain significance. Last evaluated: 2023-10-01. Review status: criteria provided, single submitter. Criteria: CeGaT Center For Human Genetics Tuebingen Variant Classification Criteria Version 2. Collection method: clinical testing. Allele origin: germline. Affected: yes. Observed: 1 variant allele.
Comment: PKD1: PM2

NM_001009944.3(PKD1):c.1555A>C (p.Thr519Pro)

Gene: PKD1 (polycystin 1, transient receptor potential channel interacting; minus strand). Cytogenetic location: 16p13.3.
Variant type: single nucleotide variant.
Coding change: c.1555A>C on transcript NM_001009944.3 (MANE Select); coding-DNA position 1555, A replaced by C.
Protein change: p.Thr519Pro; replaces threonine 519 with proline.
Molecular consequence: missense variant.
Genome position (GRCh38, 1-based): chr16:2,116,884, T>G on the plus strand (A>C on the coding strand, the complement: PKD1 is on the minus strand). VCF-style: chr16-2116884-T-G. GRCh37 (hg19) VCF-style: chr16-2166885-T-G.
Other names: c.1555A>C, p.Thr519Pro (NM_000296.4); short protein forms T519P.
Identifiers: ClinVar variation 2646029 (VCV002646029.24), dbSNP rs1168124993, ClinGen allele CA394391761.